The following is an entry in ClinVar:

ClinVar aggregate classification (germline): Uncertain significance (1 of 4 stars; one submission).

Conditions:
Hereditary cancer-predisposing syndrome. Also called: Neoplastic Syndromes, Hereditary; Tumor predisposition; Hereditary Cancer Syndrome; Hereditary neoplastic syndrome. Identifiers: Orphanet 140162, MedGen C0027672, MeSH D009386, MONDO:0015356.

Submission:

Ambry Genetics
Classification: Uncertain significance for Hereditary cancer-predisposing syndrome. Last evaluated: 2026-01-29. Review status: criteria provided, single submitter. Criteria: Ambry Variant Classification Scheme 2023. Collection method: clinical testing. Allele origin: germline.
Comment: The p.Y257C variant (also known as c.770A>G), located in coding exon 6 of the FH gene, results from an A to G substitution at nucleotide position 770. The tyrosine at codon 257 is replaced by cysteine, an amino acid with highly dissimilar properties. This amino acid position is conserved. In addition, this alteration is predicted to be deleterious by in silico analysis. Based on the available evidence, the clinical significance of this variant remains unclear.

NM_000143.4(FH):c.770A>G (p.Tyr257Cys)

Gene: FH (fumarate hydratase; minus strand). Cytogenetic location: 1q43.
Variant type: single nucleotide variant.
Coding change: c.770A>G on transcript NM_000143.4 (MANE Select); coding-DNA position 770, A replaced by G.
Protein change: p.Tyr257Cys; replaces tyrosine 257 with cysteine.
Molecular consequence: missense variant.
Genome position (GRCh38, 1-based): chr1:241,506,137, T>C on the plus strand (A>G on the coding strand, the complement: FH is on the minus strand). VCF-style: chr1-241506137-T-C. GRCh37 (hg19) VCF-style: chr1-241669437-T-C.
Other names: short protein forms Y257C.
Identifiers: ClinVar variation 2587061 (VCV002587061.3), dbSNP rs2527323104, ClinGen allele CA345439058.
Genomic context (GRCh38, chr1:241,506,137, plus strand): 5'-GTGCCTCCAGCTGCGAGCTCATAGATTCTTGGCATGGCAGCTTTTATTCTTGTCATTGCA[T>C]ATTTTACTTGTTGAACATAACCACTAAATTCCTGAAAAGAAAAGAAAATTAAGGTAAGAA-3'
Protein context (NP_000134.2, residues 247-267): EFSGYVQQVK[Tyr257Cys]AMTRIKAAMP